The following is an entry in ClinVar:

ClinVar aggregate classification (germline): Uncertain significance (1 of 4 stars; one submission).

Conditions:
Supravalvar aortic stenosis (SVAS). Also called: Supravalvar aortic stenosis, Eisenberg type. Identifiers: Orphanet 3193, MedGen C0003499, MONDO:0008504, OMIM 185500, HP:0004381.

Submission:

Labcorp Genetics (formerly Invitae), Labcorp
Classification: Uncertain significance for Supravalvar aortic stenosis. Last evaluated: 2022-12-21. Review status: criteria provided, single submitter. Criteria: Invitae Variant Classification Sherloc (09022015). Collection method: clinical testing. Allele origin: germline.
Comment: In summary, the available evidence is currently insufficient to determine the role of this variant in disease. Therefore, it has been classified as a Variant of Uncertain Significance. Algorithms developed to predict the effect of missense changes on protein structure and function are either unavailable or do not agree on the potential impact of this missense change (SIFT: "Tolerated"; PolyPhen-2: "Not Available"; Align-GVGD: "Class C0"). This variant has not been reported in the literature in individuals affected with ELN-related conditions. This variant is not present in population databases (gnomAD no frequency). This sequence change replaces leucine, which is neutral and non-polar, with valine, which is neutral and non-polar, at codon 703 of the ELN protein (p.Leu703Val).

NM_000501.4(ELN):c.1921C>G (p.Leu641Val)

Gene: ELN (elastin; plus strand). Cytogenetic location: 7q11.23.
Variant type: single nucleotide variant.
Coding change: c.1921C>G on transcript NM_000501.4 (MANE Select); coding-DNA position 1921, C replaced by G.
Protein change: p.Leu641Val; replaces leucine 641 with valine.
Molecular consequence: missense variant.
Genome position (GRCh38, 1-based): chr7:74,063,623, C>G. VCF-style: chr7-74063623-C-G. GRCh37 (hg19) VCF-style: chr7-73477953-C-G.
Other names: c.1879C>G, p.Leu627Val (NM_001081753.3); c.1936C>G, p.Leu646Val (NM_001081754.3); c.1864C>G, p.Leu622Val (NM_001081755.3); c.1921C>G, p.Leu641Val (NM_001278912.2); c.1678C>G, p.Leu560Val (NM_001278913.2); c.1849C>G, p.Leu617Val (NM_001278914.2); c.1939C>G, p.Leu647Val (NM_001278915.2); c.1777C>G, p.Leu593Val (NM_001278916.2); and 4 more; short protein forms L617V, L627V, L703V, L560V, L622V, L631V, L646V, L552V.
Identifiers: ClinVar variation 2728889 (VCV002728889.3), dbSNP rs1241099492, ClinGen allele CA367890354.